The following is an entry in ClinVar:

NM_031942.5(CDCA7):c.1027C>T (p.Arg343Cys)

Gene: CDCA7 (cell division cycle associated 7; plus strand). Cytogenetic location: 2q31.1.
Variant type: single nucleotide variant.
Coding change: c.1027C>T on transcript NM_031942.5 (MANE Select); coding-DNA position 1027, C replaced by T.
Protein change: p.Arg343Cys; replaces arginine 343 with cysteine.
Molecular consequence: missense variant.
Genome position (GRCh38, 1-based): chr2:173,365,584, C>T. VCF-style: chr2-173365584-C-T. GRCh37 (hg19) VCF-style: chr2-174230312-C-T.
Other names: c.790C>T, p.Arg264Cys (NM_145810.3); short protein forms R343C, R264C.
Identifiers: ClinVar variation 2186645 (VCV002186645.4), dbSNP rs1220522546, ClinGen allele CA349330115.
Genomic context (GRCh38, chr2:173,365,584, plus strand): 5'-GAAATTACAGAGGAGGAGTTGGAGAACGTCTGCAGCAATTCTCGAGAGAAGATATATAAC[C>T]GTTCACTGGTGAGAGCCTCTAAATTACACCTGAGAATGTAAACATCTGTGAGAGGAAGAG-3'
Protein context (NP_114148.3, residues 333-353): CSNSREKIYN[Arg343Cys]SLGSTCHQCR

ClinVar aggregate classification (germline): Uncertain significance (1 of 4 stars; one submission).

Allele frequency attached by ClinVar (database versions not stated): gnomAD 0.00001; gnomAD exomes 0.00001; TOPMed 0.00001.
gnomAD v4.1: 18 of 1,613,712 alleles (0.0011%); highest among the groups gnomAD compares: South Asian, 0.0044%; no homozygotes.

Submission:

Labcorp Genetics (formerly Invitae), Labcorp
Classification: Uncertain significance. Last evaluated: 2024-10-24. Review status: criteria provided, single submitter. Criteria: Invitae Variant Classification Sherloc (09022015). Collection method: clinical testing. Allele origin: germline.
Comment: This sequence change replaces arginine, which is basic and polar, with cysteine, which is neutral and slightly polar, at codon 343 of the CDCA7 protein (p.Arg343Cys). This variant is not present in population databases (gnomAD no frequency). This variant has not been reported in the literature in individuals affected with CDCA7-related conditions. ClinVar contains an entry for this variant (Variation ID: 2186645). Invitae Evidence Modeling of protein sequence and biophysical properties (such as structural, functional, and spatial information, amino acid conservation, physicochemical variation, residue mobility, and thermodynamic stability) has been performed for this missense variant. However, the output from this modeling did not meet the statistical confidence thresholds required to predict the impact of this variant on CDCA7 protein function. In summary, the available evidence is currently insufficient to determine the role of this variant in disease. Therefore, it has been classified as a Variant of Uncertain Significance.